The following is an entry in ClinVar:

ClinVar aggregate classification (germline): Conflicting classifications of pathogenicity. Review status: criteria provided, conflicting classifications (1 of 4 stars). 7 submissions from 7 submitters: Uncertain significance (3); Likely benign (3). 1 of the submissions does not count toward it. Last evaluated 2026-04-14.

Conditions:
Familial intrahepatic cholestasis. Identifiers: Orphanet 284385, MedGen CN296401, MONDO:0017290.
Low phospholipid associated cholelithiasis (GBD1). Also called: Gallstone cholecystitis; Gallbladder disease 1. Identifiers: Orphanet 69663, MedGen C2609268, MONDO:0010939, OMIM 600803.
ABCB4-related disorder. Also called: ABCB4-related disorders; ABCB4-related condition.

Allele frequency attached by ClinVar (database versions not stated): gnomAD exomes 0.00031; ExAC 0.00044; gnomAD 0.00137 and 0.00155; 1000 Genomes Project 30x 0.00141; TOPMed 0.00149; 1000 Genomes Project 0.00160; ESP Exome Variant Server 0.00169.
gnomAD v4.1: 373 of 1,614,068 alleles (0.023%); highest among the groups gnomAD compares: African/African-American, 0.47%; 2 homozygotes.

Submissions (11):

Genomenon, Inc
Classification: Uncertain significance for Familial intrahepatic cholestasis; Low phospholipid associated cholelithiasis. Last evaluated: 2026-04-14. Review status: criteria provided, single submitter. Criteria: Genomenon Sequence Variant Interpretation Standards - Updated. Collection method: curation. Allele origin: germline. Affected: no.
Comment: ABCB4 p.Leu238Val (c.712C>G) is a missense variant that changes the amino acid at residue 238 from Leucine to Valine. This variant has been reported in the published literature (PMID:38374565). In silico models predict that this variant is possibly or probably damaging. In conclusion, we classify ABCB4 p.Leu238Val (c.712C>G) as a variant of uncertain significance.

Labcorp Genetics (formerly Invitae), Labcorp
Classification: Likely benign. Last evaluated: 2026-01-27. Review status: criteria provided, single submitter. Criteria: Invitae Variant Classification Sherloc (09022015). Collection method: clinical testing. Allele origin: germline.

Mayo Clinic Laboratories, Mayo Clinic
Classification: Uncertain significance. Last evaluated: 2024-02-26. Review status: criteria provided, single submitter. Criteria: ACMG Guidelines, 2015. Collection method: clinical testing. Allele origin: germline. Observed: 2 variant alleles.
Comment: BS1

GeneDx
Classification: Uncertain significance. Last evaluated: 2023-09-21. Review status: criteria provided, single submitter. Criteria: GeneDx Variant Classification Process June 2021. Collection method: clinical testing. Allele origin: germline. Affected: yes.
Comment: In silico analysis supports a deleterious effect on splicing; In silico analysis supports that this missense variant does not alter protein structure/function; Has not been previously published as pathogenic or benign to our knowledge

Eurofins Ntd Llc (ga)
Classification: Likely benign. Last evaluated: 2016-12-06. Review status: criteria provided, single submitter. Criteria: EGL Classification Definitions 2015. Collection method: clinical testing. Allele origin: germline. Observed: 2 variant alleles, 2 heterozygotes.

Breakthrough Genomics
Classification: Likely benign. Review status: criteria provided, single submitter. Criteria: ACMG Guidelines, 2015. Collection method: not provided. Allele origin: germline. Inheritance: Autosomal recessive inheritance. Affected: yes.

PreventionGenetics, part of Exact Sciences
Classification: Likely benign for ABCB4-related condition. Last evaluated: 2021-04-07. Review status: no assertion criteria provided. Collection method: clinical testing. Allele origin: germline. Not counted in ClinVar's aggregate classification.
Comment: This variant is classified as likely benign based on ACMG/AMP sequence variant interpretation guidelines (Richards et al. 2015 PMID: 25741868, with internal and published modifications).

Dr. Peter K. Rogan Lab, Western University
No classification provided (evidence only). Condition: Malignant tumor of urinary bladder. Review status: no classification provided. Collection method: in vitro. Allele origin: not applicable. Functional consequence: retained intron. Not counted in ClinVar's aggregate classification.

Dr. Peter K. Rogan Lab, Western University
No classification provided (evidence only). Condition: Lung cancer. Review status: no classification provided. Collection method: in vitro. Allele origin: not applicable. Functional consequence: retained intron. Not counted in ClinVar's aggregate classification.

Dr. Peter K. Rogan Lab, Western University
No classification provided (evidence only). Condition: Familial cancer of breast. Review status: no classification provided. Collection method: in vitro. Allele origin: not applicable. Functional consequence: retained intron. Not counted in ClinVar's aggregate classification.

Dr. Peter K. Rogan Lab, Western University
No classification provided (evidence only). Condition: Uterine corpus endometrial carcinoma. Review status: no classification provided. Collection method: in vitro. Allele origin: not applicable. Functional consequence: retained intron. Not counted in ClinVar's aggregate classification.

Literature cited by the submitters: PubMed 38374565 (cited by Genomenon, Inc).

NM_000443.4(ABCB4):c.712C>G (p.Leu238Val)

Gene: ABCB4 (ATP binding cassette subfamily B member 4; minus strand). Cytogenetic location: 7q21.12.
Variant type: single nucleotide variant.
Coding change: c.712C>G on transcript NM_000443.4 (MANE Select); coding-DNA position 712, C replaced by G.
Protein change: p.Leu238Val; replaces leucine 238 with valine.
Molecular consequence: missense variant.
Genome position (GRCh38, 1-based): chr7:87,450,089, G>C on the plus strand (C>G on the coding strand, the complement: ABCB4 is on the minus strand). VCF-style: chr7-87450089-G-C. GRCh37 (hg19) VCF-style: chr7-87079405-G-C.
Other names: c.712C>G, p.Leu238Val (NM_018850.3, NM_018849.3); c.712C>G (NM_000443.3); short protein forms L238V.
Identifiers: ClinVar variation 198729 (VCV000198729.15), dbSNP rs45596335, ClinGen allele CA247533.